The following is an entry in ClinVar:

NM_000179.3(MSH6):c.4003G>A (p.Glu1335Lys)

Gene: MSH6 (mutS homolog 6; plus strand). Cytogenetic location: 2p16.3.
Variant type: single nucleotide variant.
Coding change: c.4003G>A on transcript NM_000179.3 (MANE Select); coding-DNA position 4003, G replaced by A.
Protein change: p.Glu1335Lys; replaces glutamic acid 1335 with lysine.
Molecular consequence: missense variant. On other transcripts: 3 prime UTR variant (1), non-coding transcript variant (5), intron variant (3).
Genome position (GRCh38, 1-based): chr2:47,806,780, G>A. VCF-style: chr2-47806780-G-A. GRCh37 (hg19) VCF-style: chr2-48033919-G-A.
Other names: c.3613G>A, p.Glu1205Lys (NM_001281492.2); c.3097G>A, p.Glu1033Lys (NM_001281493.2, NM_001281494.2, NM_001406811.1 and 6 more transcripts); c.4099G>A, p.Glu1367Lys (NM_001406795.1); c.4003G>A, p.Glu1335Lys (NM_001406796.1, NM_001406809.1); c.3706G>A, p.Glu1236Lys (NM_001406797.1, NM_001406805.1, NM_001406818.1 and 8 more transcripts); c.3829G>A, p.Glu1277Lys (NM_001406798.1); c.3478G>A, p.Glu1160Lys (NM_001406799.1, NM_001406806.1, NM_001406807.1); c.*24G>A (NM_001406800.1); and 11 more; short protein forms E1047K, E262K, E1033K, E1236K, E1335K, E1337K, E284K, E650K.
Identifiers: ClinVar variation 4731417 (VCV004731417.1).
Genomic context (GRCh38, chr2:47,806,780, plus strand): 5'-AGGGATGATGCACTATGAAAAAACAAAAAAACTTTTTTTTTTTTTTTTTTAATTTTAAGG[G>A]AAGTTTGCCTGGCTAGTGAAAGGTCAACTGTAGATGCTGAAGCTGTCCATAAATTGCTGA-3'
Protein context (NP_000170.1, residues 1325-1345): KMNQSLRLFR[Glu1335Lys]VCLASERSTV

ClinVar aggregate classification (germline): Uncertain significance (1 of 4 stars; one submission).

Conditions:
Hereditary nonpolyposis colorectal neoplasms. Identifiers: MedGen C0009405, MeSH D003123.

Submission:

Labcorp Genetics (formerly Invitae), Labcorp
Classification: Uncertain significance for Hereditary nonpolyposis colorectal neoplasms. Last evaluated: 2025-11-18. Review status: criteria provided, single submitter. Criteria: Invitae Variant Classification Sherloc (09022015). Collection method: clinical testing. Allele origin: germline.
Comment: This sequence change replaces glutamic acid, which is acidic and polar, with lysine, which is basic and polar, at codon 1335 of the MSH6 protein (p.Glu1335Lys). This variant is not present in population databases (gnomAD no frequency). This variant has not been reported in the literature in individuals affected with MSH6-related conditions. An algorithm developed to predict the effect of missense changes on protein structure and function (PolyPhen-2) suggests that this variant is likely to be disruptive. In summary, the available evidence is currently insufficient to determine the role of this variant in disease. Therefore, it has been classified as a Variant of Uncertain Significance.